The following is an entry in ClinVar:

ClinVar aggregate classification (germline): Uncertain significance (1 of 4 stars; one submission).

Submission:

Labcorp Genetics (formerly Invitae), Labcorp
Classification: Uncertain significance. Last evaluated: 2023-12-25. Review status: criteria provided, single submitter. Criteria: Invitae Variant Classification Sherloc (09022015). Collection method: clinical testing. Allele origin: germline.
Comment: This sequence change replaces alanine, which is neutral and non-polar, with valine, which is neutral and non-polar, at codon 407 of the HIVEP2 protein (p.Ala407Val). This variant is not present in population databases (gnomAD no frequency). This variant has not been reported in the literature in individuals affected with HIVEP2-related conditions. Advanced modeling of protein sequence and biophysical properties (such as structural, functional, and spatial information, amino acid conservation, physicochemical variation, residue mobility, and thermodynamic stability) performed at Invitae indicates that this missense variant is expected to disrupt HIVEP2 protein function with a positive predictive value of 80%. In summary, the available evidence is currently insufficient to determine the role of this variant in disease. Therefore, it has been classified as a Variant of Uncertain Significance.

NM_006734.4(HIVEP2):c.1220C>T (p.Ala407Val)

Gene: HIVEP2 (HIVEP zinc finger 2; minus strand). Cytogenetic location: 6q24.2.
Variant type: single nucleotide variant.
Coding change: c.1220C>T on transcript NM_006734.4 (MANE Select); coding-DNA position 1220, C replaced by T.
Protein change: p.Ala407Val; replaces alanine 407 with valine.
Molecular consequence: missense variant.
Genome position (GRCh38, 1-based): chr6:142,773,519, G>A on the plus strand (C>T on the coding strand, the complement: HIVEP2 is on the minus strand). VCF-style: chr6-142773519-G-A. GRCh37 (hg19) VCF-style: chr6-143094656-G-A.
Other names: short protein forms A407V.
Identifiers: ClinVar variation 2705507 (VCV002705507.3), dbSNP rs2482850239, ClinGen allele CA365914314.
Genomic context (GRCh38, chr6:142,773,519, plus strand): 5'-CCAAAGATGATTTCTTCATAAGACTTTGCATTTGTGTTGGGAGGGCTTATTTGCTGCTCA[G>A]CACTTTCTGAGCGAGAAAAGTAACCAGAATCAGTGCTTCCTTTACTGTGCGGGCTCAGAA-3'
Protein context (NP_006725.3, residues 397-417): DSGYFSRSES[Ala407Val]EQQISPPNTN